The following is an entry in ClinVar:

NM_001382567.1(STIM1):c.1793C>A (p.Ser598Tyr)

Gene: STIM1 (stromal interaction molecule 1; plus strand). Cytogenetic location: 11p15.4.
Variant type: single nucleotide variant.
Coding change: c.1793C>A on transcript NM_001382567.1 (MANE Select); coding-DNA position 1793, C replaced by A.
Protein change: p.Ser598Tyr; replaces serine 598 with tyrosine.
Molecular consequence: missense variant. On other transcripts: 3 prime UTR variant (4), non-coding transcript variant (3).
Genome position (GRCh38, 1-based): chr11:4,091,440, C>A. VCF-style: chr11-4091440-C-A. GRCh37 (hg19) VCF-style: chr11-4112670-C-A.
Other names: c.2018C>A, p.Ser673Tyr (NM_001277961.3); c.*114C>A (NM_001277962.2, NM_001382578.1, NM_001382579.1 and 1 more transcripts); c.1796C>A, p.Ser599Tyr (NM_001382566.1); c.1721C>A, p.Ser574Tyr (NM_001382568.1); c.1565C>A, p.Ser522Tyr (NM_001382569.1); c.1472C>A, p.Ser491Tyr (NM_001382570.1); c.1220C>A, p.Ser407Tyr (NM_001382571.1); c.1478C>A, p.Ser493Tyr (NM_001382575.1, NM_001382576.1, NM_001382577.1); and 2 more; short protein forms S598Y, S599Y, S407Y, S493Y, S567Y, S404Y, S574Y, S673Y.
Identifiers: ClinVar variation 1423987 (VCV001423987.6), dbSNP rs201520428, ClinGen allele CA216533955.

ClinVar aggregate classification (germline): Uncertain significance (1 of 4 stars; one submission).

Conditions:
Combined immunodeficiency due to STIM1 deficiency. Also called: STIM1 DEFICIENCY; IMMUNODEFICIENCY 10. Identifiers: Orphanet 169090, Orphanet 317430, MedGen C2748557, MONDO:0013008, OMIM 612783.
Myopathy with tubular aggregates (TAM). Also called: Tubular Aggregate Myopathy. Identifiers: Orphanet 2593, MedGen C0410207, MONDO:0008051.
Stormorken syndrome (STRMK). Also called: THROMBOCYTOPATHY, ASPLENIA, AND MIOSIS. Identifiers: Orphanet 3204, MedGen C1861451, MONDO:0008497, OMIM 185070.

Allele frequency attached by ClinVar (database versions not stated): TOPMed 0.00001; gnomAD exomes below 0.00001.
gnomAD v4.1: 4 of 1,614,214 alleles (0.00025%); highest among the groups gnomAD compares: Non-Finnish European, 0.00034%; no homozygotes.

Submission:

Labcorp Genetics (formerly Invitae), Labcorp
Classification: Uncertain significance for Myopathy with tubular aggregates; Combined immunodeficiency due to STIM1 deficiency; Stormorken syndrome. Last evaluated: 2025-10-21. Review status: criteria provided, single submitter. Criteria: Invitae Variant Classification Sherloc (09022015). Collection method: clinical testing. Allele origin: germline.
Comment: This sequence change replaces serine, which is neutral and polar, with tyrosine, which is neutral and polar, at codon 567 of the STIM1 protein (p.Ser567Tyr). This variant is not present in population databases (gnomAD no frequency). This variant has not been reported in the literature in individuals affected with STIM1-related conditions. ClinVar contains an entry for this variant (Variation ID: 1423987). Invitae Evidence Modeling of protein sequence and biophysical properties (such as structural, functional, and spatial information, amino acid conservation, physicochemical variation, residue mobility, and thermodynamic stability) has been performed for this missense variant. However, the output from this modeling did not meet the statistical confidence thresholds required to predict the impact of this variant on STIM1 protein function. In summary, the available evidence is currently insufficient to determine the role of this variant in disease. Therefore, it has been classified as a Variant of Uncertain Significance.